The following is an entry in ClinVar:

ClinVar aggregate classification (germline): Likely pathogenic. Review status: criteria provided, multiple submitters, no conflicts (2 of 4 stars). 2 submissions from 2 submitters: Likely pathogenic (2). Last evaluated 2022-04-11.

Conditions:
Familial temporal lobe epilepsy 7. Identifiers: Orphanet 101046, MedGen C4225327, MONDO:0014639, OMIM 616436.
Norman-Roberts syndrome (LIS2). Also called: Lissencephaly 2 (Norman-Roberts type). Identifiers: Orphanet 89844, MedGen C0796089, MONDO:0009760, OMIM 257320.

Allele frequency attached by ClinVar (database versions not stated): gnomAD exomes below 0.00001 and 0.00001; gnomAD 0.00001 and 0.00002; TOPMed 0.00002.
gnomAD v4.1: 16 of 1,613,670 alleles (0.00099%); highest among the groups gnomAD compares: African/African-American, 0.0013%; no homozygotes.

Submissions (2):

GeneDx
Classification: Likely pathogenic. Last evaluated: 2022-04-11. Review status: criteria provided, single submitter. Criteria: GeneDx Variant Classification Process June 2021. Collection method: clinical testing. Allele origin: germline. Affected: yes.
Comment: Canonical splice site variant predicted to result in a null allele in a gene for which loss-of-function is a known mechanism of disease; Not observed at significant frequency in large population cohorts (gnomAD); Has not been previously published as pathogenic or benign to our knowledge

Labcorp Genetics (formerly Invitae), Labcorp
Classification: Likely pathogenic for Familial temporal lobe epilepsy 7; Norman-Roberts syndrome. Last evaluated: 2022-01-27. Review status: criteria provided, single submitter. Criteria: Invitae Variant Classification Sherloc (09022015). Collection method: clinical testing. Allele origin: germline.
Comment: This sequence change affects a donor splice site in intron 46 of the RELN gene. It is expected to disrupt RNA splicing. Variants that disrupt the donor or acceptor splice site typically lead to a loss of protein function (PMID: 16199547), and loss-of-function variants in RELN are known to be pathogenic (PMID: 10973257, 26046367, 28454995). This variant is present in population databases (no rsID available, gnomAD 0.002%). This variant has not been reported in the literature in individuals affected with RELN-related conditions. Algorithms developed to predict the effect of sequence changes on RNA splicing suggest that this variant may disrupt the consensus splice site. In summary, the currently available evidence indicates that the variant is pathogenic, but additional data are needed to prove that conclusively. Therefore, this variant has been classified as Likely Pathogenic.

Literature cited by the submitters: PubMed 16199547 (cited by Labcorp Genetics (formerly Invitae), Labcorp); PubMed 10973257 (cited by Labcorp Genetics (formerly Invitae), Labcorp); PubMed 26046367 (cited by Labcorp Genetics (formerly Invitae), Labcorp); PubMed 28454995 (cited by Labcorp Genetics (formerly Invitae), Labcorp).

NM_005045.4(RELN):c.7349+2T>C

Gene: RELN (reelin; minus strand). Cytogenetic location: 7q22.1.
Variant type: single nucleotide variant.
Coding change: c.7349+2T>C on transcript NM_005045.4 (MANE Select); the canonical splice donor site of the intron after coding-DNA position 7349, T replaced by C.
Molecular consequence: splice donor variant.
Genome position (GRCh38, 1-based): chr7:103,535,314, A>G on the plus strand (T>C on the coding strand, the complement: RELN is on the minus strand). VCF-style: chr7-103535314-A-G. GRCh37 (hg19) VCF-style: chr7-103175761-A-G.
Other names: c.7349+2T>C (NM_173054.3).
Identifiers: ClinVar variation 1676406 (VCV001676406.7), dbSNP rs982831716, ClinGen allele CA163938632.
Genomic context (GRCh38, chr7:103,535,314, plus strand): 5'-GTTATCACATTTGGGCTCACTATACGTAGAAGCATGTGGTGAACATGTAGAAGCATTCTT[A>G]CCTGGTATAAGGAGGGAGAGGCAGAGTGATTCTAGTCCACTTGTTGAAAGTGTCTGACAC-3'